The following is an entry in ClinVar:

ClinVar aggregate classification (germline): Uncertain significance. Review status: criteria provided, multiple submitters, no conflicts (2 of 4 stars). 2 submissions from 2 submitters: Uncertain significance (2). Last evaluated 2026-04-27.

Conditions:
Perrault syndrome. Also called: Gonadal dysgenesis with auditory dysfunction, autosomal recessive inheritance. Identifiers: Orphanet 2855, MedGen C0685838, MONDO:0017312.
Bifunctional peroxisomal enzyme deficiency (DBIF). Also called: DBP DEFICIENCY; PBFE DEFICIENCY; D-bifunctional protein deficiency. Identifiers: Orphanet 300, MedGen C0342870, MONDO:0009855, OMIM 261515. Disease mechanism: loss of function.

Allele frequency attached by ClinVar (database versions not stated): gnomAD exomes 0.00002; ExAC 0.00004.
gnomAD v4.1: 10 of 1,613,006 alleles (0.00062%); highest among the groups gnomAD compares: Admixed American, 0.017%; no homozygotes.

Submissions (2):

Women's Health and Genetics/Laboratory Corporation of America, LabCorp
Classification: Uncertain significance. Last evaluated: 2026-04-27. Review status: criteria provided, single submitter. Criteria: LabCorp Variant Classification Summary - May 2015. Collection method: clinical testing. Allele origin: germline.

Labcorp Genetics (formerly Invitae), Labcorp
Classification: Uncertain significance for Perrault syndrome; Bifunctional peroxisomal enzyme deficiency. Last evaluated: 2022-05-16. Review status: criteria provided, single submitter. Criteria: Invitae Variant Classification Sherloc (09022015). Collection method: clinical testing. Allele origin: germline.
Comment: This sequence change replaces threonine, which is neutral and polar, with isoleucine, which is neutral and non-polar, at codon 252 of the HSD17B4 protein (p.Thr252Ile). This variant is present in population databases (rs759881921, gnomAD 0.03%). This variant has not been reported in the literature in individuals affected with HSD17B4-related conditions. Advanced modeling of protein sequence and biophysical properties (such as structural, functional, and spatial information, amino acid conservation, physicochemical variation, residue mobility, and thermodynamic stability) performed at Invitae indicates that this missense variant is not expected to disrupt HSD17B4 protein function. In summary, the available evidence is currently insufficient to determine the role of this variant in disease. Therefore, it has been classified as a Variant of Uncertain Significance.

NM_000414.4(HSD17B4):c.755C>T (p.Thr252Ile)

Gene: HSD17B4 (hydroxysteroid 17-beta dehydrogenase 4; plus strand). Cytogenetic location: 5q23.1.
Variant type: single nucleotide variant.
Coding change: c.755C>T on transcript NM_000414.4 (MANE Select); coding-DNA position 755, C replaced by T.
Protein change: p.Thr252Ile; replaces threonine 252 with isoleucine.
Molecular consequence: missense variant. On other transcripts: non-coding transcript variant (2).
Genome position (GRCh38, 1-based): chr5:119,493,833, C>T. VCF-style: chr5-119493833-C-T. GRCh37 (hg19) VCF-style: chr5-118829528-C-T.
Other names: c.830C>T, p.Thr277Ile (NM_001199291.3); c.701C>T, p.Thr234Ile (NM_001199292.2); c.683C>T, p.Thr228Ile (NM_001292027.2); c.335C>T, p.Thr112Ile (NM_001292028.2); c.746C>T, p.Thr249Ile (NM_001374497.1); c.755C>T, p.Thr252Ile (NM_001374498.1); c.428C>T, p.Thr143Ile (NM_001374499.1); c.314C>T, p.Thr105Ile (NM_001374500.1); and 1 more; short protein forms T105I, T115I, T277I, T228I, T252I, T112I, T143I, T234I.
Identifiers: ClinVar variation 2174336 (VCV002174336.2), dbSNP rs759881921, ClinGen allele CA3381980.